The following is an entry in ClinVar:

NM_018230.3(NUP133):c.3181-7T>C

Gene: NUP133 (nucleoporin 133; minus strand). Cytogenetic location: 1q42.13.
Variant type: single nucleotide variant.
Coding change: c.3181-7T>C on transcript NM_018230.3 (MANE Select); 7 bases into the intron before coding-DNA position 3181, T replaced by C.
Molecular consequence: intron variant.
Genome position (GRCh38, 1-based): chr1:229,449,197, A>G on the plus strand (T>C on the coding strand, the complement: NUP133 is on the minus strand). VCF-style: chr1-229449197-A-G. GRCh37 (hg19) VCF-style: chr1-229584944-A-G.
Identifiers: ClinVar variation 3052321 (VCV003052321.2), dbSNP rs1660385217, ClinGen allele CA1226133414.

ClinVar aggregate classification (germline): Likely benign (0 of 4 stars; one submission).

Conditions:
NUP133-related disorder. Also called: NUP133-related condition.

Allele frequency attached by ClinVar (database versions not stated): gnomAD exomes below 0.00001.
gnomAD v4.1: 2 of 1,585,630 alleles (0.00013%); highest among the groups gnomAD compares: East Asian, 0.0022%; no homozygotes.

Submission:

PreventionGenetics, part of Exact Sciences
Classification: Likely benign for NUP133-related condition. Last evaluated: 2022-04-02. Review status: no assertion criteria provided. Collection method: clinical testing. Allele origin: germline.
Comment: This variant is classified as likely benign based on ACMG/AMP sequence variant interpretation guidelines (Richards et al. 2015 PMID: 25741868, with internal and published modifications).